The following is an entry in ClinVar:

NM_001205293.3(CACNA1E):c.864G>C (p.Gly288=)

Gene: CACNA1E (calcium voltage-gated channel subunit alpha1 E; plus strand). Cytogenetic location: 1q25.3.
Variant type: single nucleotide variant.
Coding change: c.864G>C on transcript NM_001205293.3 (MANE Select); coding-DNA position 864, G replaced by C.
Protein change: p.Gly288=; no amino-acid change (glycine 288 retained).
Molecular consequence: synonymous variant.
Genome position (GRCh38, 1-based): chr1:181,580,689, G>C. VCF-style: chr1-181580689-G-C. GRCh37 (hg19) VCF-style: chr1-181549825-G-C.
Other names: c.864G>C, p.Gly288= (NM_000721.4, NM_001205294.2).
Identifiers: ClinVar variation 1453323 (VCV001453323.16), dbSNP rs751911604, ClinGen allele CA1274981.

ClinVar aggregate classification (germline): Likely benign. Review status: criteria provided, multiple submitters, no conflicts (2 of 4 stars). 3 submissions from 3 submitters: Likely benign (3). Last evaluated 2025-10-01.

Allele frequency attached by ClinVar (database versions not stated): ExAC 0.00003; gnomAD exomes 0.00004 and 0.00005; TOPMed 0.00004; gnomAD 0.00007 and 0.00008.
gnomAD v4.1: 87 of 1,613,950 alleles (0.0054%); highest among the groups gnomAD compares: Non-Finnish European, 0.0065%; no homozygotes.

Submissions (3):

Labcorp Genetics (formerly Invitae), Labcorp
Classification: Likely benign. Last evaluated: 2025-10-01. Review status: criteria provided, single submitter. Criteria: Invitae Variant Classification Sherloc (09022015). Collection method: clinical testing. Allele origin: germline.

CeGaT Center for Human Genetics Tuebingen
Classification: Likely benign. Last evaluated: 2025-04-01. Review status: criteria provided, single submitter. Criteria: CeGaT Center For Human Genetics Tuebingen Variant Classification Criteria Version 2. Collection method: clinical testing. Allele origin: germline. Affected: yes. Observed: 1 variant allele.
Comment: CACNA1E: BP4

Blueprint Genetics
Classification: Likely benign. Last evaluated: 2024-08-28. Review status: criteria provided, single submitter. Criteria: ACMG Guidelines, 2015. Collection method: clinical testing. Allele origin: germline.